The following is an entry in ClinVar:

NM_001199138.2(NLRC4):c.1090C>T (p.His364Tyr)

Gene: NLRC4 (NLR family CARD domain containing 4; minus strand). Cytogenetic location: 2p22.3.
Variant type: single nucleotide variant.
Coding change: c.1090C>T on transcript NM_001199138.2 (MANE Select); coding-DNA position 1090, C replaced by T.
Protein change: p.His364Tyr; replaces histidine 364 with tyrosine.
Molecular consequence: missense variant. On other transcripts: intron variant (1).
Genome position (GRCh38, 1-based): chr2:32,250,774, G>A on the plus strand (C>T on the coding strand, the complement: NLRC4 is on the minus strand). VCF-style: chr2-32250774-G-A. GRCh37 (hg19) VCF-style: chr2-32475843-G-A.
Other names: c.1090C>T, p.His364Tyr (NM_001199139.2, NM_021209.5); c.262+1645C>T (NM_001302504.1); short protein forms H364Y.
Identifiers: ClinVar variation 999556 (VCV000999556.8), dbSNP rs1193792961, ClinGen allele CA346513530.

ClinVar aggregate classification (germline): Uncertain significance (1 of 4 stars; one submission).

Conditions:
Periodic fever-infantile enterocolitis-autoinflammatory syndrome. Also called: Autoinflammation with infantile enterocolitis. Identifiers: Orphanet 436166, MedGen C4015067, MONDO:0014472, OMIM 616050.
Familial cold autoinflammatory syndrome 4 (FCAS4). Identifiers: Orphanet 47045, Orphanet 576349, MedGen C4015276, MONDO:0014498, OMIM 616115.

Allele frequency attached by ClinVar (database versions not stated): gnomAD 0.00004; TOPMed 0.00002.
gnomAD v4.1: 6 of 1,614,058 alleles (0.00037%); highest among the groups gnomAD compares: African/African-American, 0.008%; no homozygotes.

Submission:

Labcorp Genetics (formerly Invitae), Labcorp
Classification: Uncertain significance for Periodic fever-infantile enterocolitis-autoinflammatory syndrome; Familial cold autoinflammatory syndrome 4. Last evaluated: 2024-09-03. Review status: criteria provided, single submitter. Criteria: Invitae Variant Classification Sherloc (09022015). Collection method: clinical testing. Allele origin: germline.
Comment: This sequence change replaces histidine, which is basic and polar, with tyrosine, which is neutral and polar, at codon 364 of the NLRC4 protein (p.His364Tyr). The frequency data for this variant in the population databases is considered unreliable, as metrics indicate poor data quality at this position in the gnomAD database. This variant has not been reported in the literature in individuals affected with NLRC4-related conditions. ClinVar contains an entry for this variant (Variation ID: 999556). Invitae Evidence Modeling of protein sequence and biophysical properties (such as structural, functional, and spatial information, amino acid conservation, physicochemical variation, residue mobility, and thermodynamic stability) indicates that this missense variant is not expected to disrupt NLRC4 protein function with a negative predictive value of 80%. In summary, the available evidence is currently insufficient to determine the role of this variant in disease. Therefore, it has been classified as a Variant of Uncertain Significance.